The following is an entry in ClinVar:

NM_014714.4(IFT140):c.910del (p.Asp304fs)

Genes: IFT140 (intraflagellar transport 140; minus strand), LOC105371046 (uncharacterized LOC105371046; plus strand). Cytogenetic location: 16p13.3.
Variant type: Deletion.
Coding change: c.910del on transcript NM_014714.4 (MANE Select); coding-DNA position 910, one base deleted (G; older notation c.910delG).
Protein change: p.Asp304fs; shifts the reading frame from aspartic acid 304.
Molecular consequence: frameshift variant.
Genome position (GRCh38, 1-based): chr16:1,587,297, C deleted on the plus strand (G on the coding strand, the reverse complement: IFT140 is on the minus strand); the first of 3 consecutive C bases (chr16:1,587,297-1,587,299); deleting any one gives the same sequence. VCF-style (leftmost placement, unchanged base first): chr16-1587296-TC-T. GRCh37 (hg19) VCF-style: chr16-1637297-TC-T.
Other names: short protein forms D304fs.
Identifiers: ClinVar variation 2855322 (VCV002855322.3), dbSNP rs2507868188, ClinGen allele CA2575870293.

ClinVar aggregate classification (germline): Pathogenic (1 of 4 stars; one submission).

Conditions:
Saldino-Mainzer syndrome (SRTD9). Also called: CONORENAL SYNDROME; Renal dysplasia, retinal pigmentary dystrophy, cerebellar ataxia and skeletal dysplasia; SHORT-RIB THORACIC DYSPLASIA 9 WITHOUT POLYDACTYLY; short-rib thoracic dysplasia 9 with or without polydactyly. Identifiers: Orphanet 140969, MedGen C1849437, MONDO:0009964, OMIM 266920.

Submission:

Labcorp Genetics (formerly Invitae), Labcorp
Classification: Pathogenic for Saldino-Mainzer syndrome. Last evaluated: 2025-04-17. Review status: criteria provided, single submitter. Criteria: Invitae Variant Classification Sherloc (09022015). Collection method: clinical testing. Allele origin: germline.
Comment: This sequence change creates a premature translational stop signal (p.Asp304Thrfs*2) in the IFT140 gene. It is expected to result in an absent or disrupted protein product. Loss-of-function variants in IFT140 are known to be pathogenic (PMID: 22503633, 23418020, 24009529, 26216056). This variant is not present in population databases (gnomAD no frequency). This variant has not been reported in the literature in individuals affected with IFT140-related conditions. ClinVar contains an entry for this variant (Variation ID: 2855322). For these reasons, this variant has been classified as Pathogenic.

Literature cited by the submitters: PubMed 22503633; PubMed 23418020; PubMed 24009529; PubMed 26216056.